The following is an entry in ClinVar:

ClinVar aggregate classification (germline): Pathogenic (1 of 4 stars; one submission).

Conditions:
DICER1-related tumor predisposition. Also called: DICER1 syndrome; DICER1-related pleuropulmonary blastoma cancer predisposition syndrome. Identifiers: Orphanet 284343, MedGen C3839822, MONDO:0100216.

Submission:

Department of Clinical Genetics, Copenhagen University Hospital, Rigshospitalet
Classification: Pathogenic for DICER1-related tumor predisposition. Last evaluated: 2025-01-24. Review status: criteria provided, single submitter. Criteria: ACMG Guidelines, 2015. Collection method: clinical testing. Allele origin: germline.
Comment: The following ACMG criteria have been used in classification: PM2_SUP; PVS1; PS4_SUP

Literature cited by the submitters: PubMed 34552563.

NM_177438.3(DICER1):c.171_172insAC (p.His58fs)

Gene: DICER1 (dicer 1, ribonuclease III; minus strand). Cytogenetic location: 14q32.13.
Variant type: Insertion.
Coding change: c.171_172insAC on transcript NM_177438.3 (MANE Select); coding-DNA positions 171 to 172, AC inserted.
Protein change: p.His58fs; shifts the reading frame from histidine 58.
Molecular consequence: frameshift variant. On other transcripts: 5 prime UTR variant (9), non-coding transcript variant (6).
Genome position: GRCh38 VCF-style: chr14-95132650-G-GGT. GRCh37 (hg19) VCF-style: chr14-95598987-G-GGT.
Other names: c.171_172insAC, p.His58fs (NM_001195573.1, NM_001271282.3, NM_001291628.2 and 14 more transcripts); c.-104_-103insAC (NM_001395686.1, NM_001395687.1, NM_001395688.1 and 4 more transcripts); c.-288_-287insAC (NM_001395691.1); c.-1398_-1397insAC (NM_001395697.1); short protein forms H58fs.
Identifiers: ClinVar variation 3602778 (VCV003602778.2).
Genomic context (GRCh38, chr14:95,132,650, plus strand): 5'-TGAGTAGTACTGCAATAAATGTCTTCCCTGAGCCAGTGTTTAAACAGACGATGGTATTAT[G>GGT]ATCCAGAGCTGCTTCAAGCAGTTCAACCTAGAAACATGGTGAAAAAAAAGTTATGCACTT-3'